The following is an entry in ClinVar:

ClinVar aggregate classification (germline): Uncertain significance (1 of 4 stars; one submission).

Submission:

GeneDx
Classification: Uncertain significance. Last evaluated: 2023-11-09. Review status: criteria provided, single submitter. Criteria: GeneDx Variant Classification Process June 2021. Collection method: clinical testing. Allele origin: germline. Affected: yes.
Comment: Not observed at significant frequency in large population cohorts (gnomAD); In silico analysis supports that this missense variant does not alter protein structure/function; Has not been previously published as pathogenic or benign to our knowledge

NM_013275.6(ANKRD11):c.4689G>C (p.Lys1563Asn)

Gene: ANKRD11 (ankyrin repeat domain containing 11; minus strand). Cytogenetic location: 16q24.3.
Variant type: single nucleotide variant.
Coding change: c.4689G>C on transcript NM_013275.6 (MANE Select); coding-DNA position 4689, G replaced by C.
Protein change: p.Lys1563Asn; replaces lysine 1563 with asparagine.
Molecular consequence: missense variant.
Genome position (GRCh38, 1-based): chr16:89,281,853, C>G on the plus strand (G>C on the coding strand, the complement: ANKRD11 is on the minus strand). VCF-style: chr16-89281853-C-G. GRCh37 (hg19) VCF-style: chr16-89348261-C-G.
Other names: c.4689G>C, p.Lys1563Asn (NM_001256182.2, NM_001256183.2); short protein forms K1563N.
Identifiers: ClinVar variation 3363731 (VCV003363731.1).